The following is an entry in ClinVar:

NM_000388.4(CASR):c.1237C>T (p.His413Tyr)

Gene: CASR (calcium sensing receptor; plus strand). Cytogenetic location: 3q21.1.
Variant type: single nucleotide variant.
Coding change: c.1237C>T on transcript NM_000388.4 (MANE Select); coding-DNA position 1237, C replaced by T.
Protein change: p.His413Tyr; replaces histidine 413 with tyrosine.
Molecular consequence: missense variant.
Genome position (GRCh38, 1-based): chr3:122,262,272, C>T. VCF-style: chr3-122262272-C-T. GRCh37 (hg19) VCF-style: chr3-121981119-C-T.
Other names: c.1237C>T, p.His413Tyr (NM_001178065.2); short protein forms H413Y.
Identifiers: ClinVar variation 1390549 (VCV001390549.8), dbSNP rs2107633148, ClinGen allele CA354152889.

ClinVar aggregate classification (germline): Uncertain significance (1 of 4 stars; one submission).

Conditions:
Familial hypocalciuric hypercalcemia (FHH). Also called: Familial benign hypercalcemia. Identifiers: Orphanet 405, MedGen C1809471, MONDO:0018458.
Autosomal dominant hypocalcemia 1 (HYPOC1). Also called: HYPOCALCEMIA, FAMILIAL. Identifiers: MedGen C3715128, MONDO:0011013, OMIM 601198.

Submission:

Labcorp Genetics (formerly Invitae), Labcorp
Classification: Uncertain significance for Familial hypocalciuric hypercalcemia; Autosomal dominant hypocalcemia 1. Last evaluated: 2023-10-19. Review status: criteria provided, single submitter. Criteria: Invitae Variant Classification Sherloc (09022015). Collection method: clinical testing. Allele origin: germline.
Comment: This sequence change replaces histidine, which is basic and polar, with tyrosine, which is neutral and polar, at codon 413 of the CASR protein (p.His413Tyr). This variant is not present in population databases (gnomAD no frequency). This variant has not been reported in the literature in individuals affected with CASR-related conditions. ClinVar contains an entry for this variant (Variation ID: 1390549). An algorithm developed to predict the effect of missense changes on protein structure and function (PolyPhen-2) suggests that this variant is likely to be disruptive. In summary, the available evidence is currently insufficient to determine the role of this variant in disease. Therefore, it has been classified as a Variant of Uncertain Significance.